The following is an entry in ClinVar:

NM_000215.4(JAK3):c.1291C>T (p.Arg431Trp)

Gene: JAK3 (Janus kinase 3; minus strand). Cytogenetic location: 19p13.11.
Variant type: single nucleotide variant.
Coding change: c.1291C>T on transcript NM_000215.4 (MANE Select); coding-DNA position 1291, C replaced by T.
Protein change: p.Arg431Trp; replaces arginine 431 with tryptophan.
Molecular consequence: missense variant.
Genome position (GRCh38, 1-based): chr19:17,839,627, G>A on the plus strand (C>T on the coding strand, the complement: JAK3 is on the minus strand). VCF-style: chr19-17839627-G-A. GRCh37 (hg19) VCF-style: chr19-17950436-G-A.
Other names: short protein forms R431W.
Identifiers: ClinVar variation 440938 (VCV000440938.6), dbSNP rs1274345651, ClinGen allele CA404770421.
Genomic context (GRCh38, chr19:17,839,627, plus strand): 5'-GAAGACTGCTGTGGGGTCGGCTGAGGCCAACCAGAAGGAAGGTTCCTGTGGGGCTGCGCC[G>A]GATGAGGCAGCCCTTATAATCAGGACCAAGGGGGTTCTGCAAAGAAGAGTGGCCCCTGAG-3'
Protein context (NP_000206.2, residues 421-441): LGPDYKGCLI[Arg431Trp]RSPTGTFLLV

ClinVar aggregate classification (germline): Uncertain significance (1 of 4 stars; one submission).

Conditions:
Severe combined immunodeficiency disease. Also called: Severe combined immunodeficiency; Severe Combined Immune Deficiency. Identifiers: Orphanet 183660, MedGen C0085110, MeSH D016511, MONDO:0015974, HP:0004430. Inheritance: X-Linked or Autosomal recessive.
T-B+ severe combined immunodeficiency due to JAK3 deficiency. Also called: SCID, autosomal recessive, T-negative/B-positive type; SCID, T CELL-NEGATIVE, B CELL-POSITIVE, NK CELL-NEGATIVE. Identifiers: Orphanet 35078, MedGen C1833275, MONDO:0010938, OMIM 600802.

Allele frequency attached by ClinVar (database versions not stated): gnomAD exomes below 0.00001; TOPMed 0.00002.
gnomAD v4.1: 11 of 1,611,684 alleles (0.00068%); highest among the groups gnomAD compares: African/African-American, 0.0027%; no homozygotes.

Submission:

Labcorp Genetics (formerly Invitae), Labcorp
Classification: Uncertain significance for T-B+ severe combined immunodeficiency due to JAK3 deficiency. Last evaluated: 2024-10-14. Review status: criteria provided, single submitter. Criteria: Invitae Variant Classification Sherloc (09022015). Collection method: clinical testing. Allele origin: germline.
Comment: This sequence change replaces arginine, which is basic and polar, with tryptophan, which is neutral and slightly polar, at codon 431 of the JAK3 protein (p.Arg431Trp). The frequency data for this variant in the population databases is considered unreliable, as metrics indicate poor data quality at this position in the gnomAD database. This variant has not been reported in the literature in individuals affected with JAK3-related conditions. ClinVar contains an entry for this variant (Variation ID: 440938). Invitae Evidence Modeling of protein sequence and biophysical properties (such as structural, functional, and spatial information, amino acid conservation, physicochemical variation, residue mobility, and thermodynamic stability) has been performed for this missense variant. However, the output from this modeling did not meet the statistical confidence thresholds required to predict the impact of this variant on JAK3 protein function. In summary, the available evidence is currently insufficient to determine the role of this variant in disease. Therefore, it has been classified as a Variant of Uncertain Significance.